The following is an entry in ClinVar:

NM_004006.3(DMD):c.8063A>G (p.His2688Arg)

Gene: DMD (dystrophin; minus strand). Cytogenetic location: Xp21.1.
Variant type: single nucleotide variant.
Coding change: c.8063A>G on transcript NM_004006.3 (MANE Select); coding-DNA position 8063, A replaced by G.
Protein change: p.His2688Arg; replaces histidine 2688 with arginine.
Molecular consequence: missense variant.
Genome position (GRCh38, 1-based): chrX:31,627,827, T>C on the plus strand (A>G on the coding strand, the complement: DMD is on the minus strand). VCF-style: chrX-31627827-T-C. GRCh37 (hg19) VCF-style: chrX-31645944-T-C.
Other names: c.8039A>G, p.His2680Arg (NM_000109.4); c.8051A>G, p.His2684Arg (NM_004009.3); c.7694A>G, p.His2565Arg (NM_004010.3); c.4040A>G, p.His1347Arg (NM_004011.4); c.4031A>G, p.His1344Arg (NM_004012.4); c.683A>G, p.His228Arg (NM_004013.3, NM_004020.4, NM_004021.3 and 2 more transcripts); short protein forms H1344R, H2680R, H2684R, H1347R, H228R, H2565R, H2688R.
Identifiers: ClinVar variation 1387265 (VCV001387265.5), dbSNP rs1017255301, ClinGen allele CA328458517.

ClinVar aggregate classification (germline): Uncertain significance (1 of 4 stars; one submission).

Conditions:
Duchenne muscular dystrophy (DMD). Also called: MUSCULAR DYSTROPHY, PSEUDOHYPERTROPHIC PROGRESSIVE, DUCHENNE TYPE; Duchenne Muscular Dystrophy (DMD). Identifiers: Orphanet 98896, MedGen C0013264, MONDO:0010679, OMIM 310200.

Allele frequency attached by ClinVar (database versions not stated): gnomAD exomes below 0.00001 and 0.00001; TOPMed 0.00001.
gnomAD v4.1: 2 of 1,210,406 alleles (0.00017%); highest among the groups gnomAD compares: Admixed American, 0.0022%; no homozygotes.

Submission:

Labcorp Genetics (formerly Invitae), Labcorp
Classification: Uncertain significance for Duchenne muscular dystrophy. Last evaluated: 2021-09-17. Review status: criteria provided, single submitter. Criteria: Invitae Variant Classification Sherloc (09022015). Collection method: clinical testing. Allele origin: germline.
Comment: This sequence change replaces histidine with arginine at codon 2688 of the DMD protein (p.His2688Arg). The histidine residue is moderately conserved and there is a small physicochemical difference between histidine and arginine. This variant is not present in population databases (ExAC no frequency). This variant has not been reported in the literature in individuals with DMD-related conditions. Algorithms developed to predict the effect of missense changes on protein structure and function (SIFT, PolyPhen-2, Align-GVGD) all suggest that this variant is likely to be tolerated, but these predictions have not been confirmed by published functional studies and their clinical significance is uncertain. In summary, the available evidence is currently insufficient to determine the role of this variant in disease. Therefore, it has been classified as a Variant of Uncertain Significance.